The following is an entry in ClinVar:

ClinVar aggregate classification (germline): Likely benign. Review status: criteria provided, multiple submitters, no conflicts (2 of 4 stars). 2 submissions from 2 submitters: Likely benign (2). Last evaluated 2025-06-04.

Conditions:
TMEM67-related disorder. Also called: TMEM67-related disorders; TMEM67-related condition. Identifiers: MedGen CN239423.
Meckel-Gruber syndrome. Also called: DYSENCEPHALIA SPLANCHNOCYSTICA; Dysencephalia splachnocystica; GRUBER SYNDROME. Identifiers: Orphanet 564, MedGen C0265215, MONDO:0018921.
Joubert syndrome. Also called: Familial aplasia of the vermis; JOUBERT-BOLTSHAUSER SYNDROME. Identifiers: Orphanet 475, MedGen C5979921, MONDO:0018772.

Allele frequency attached by ClinVar (database versions not stated): TOPMed below 0.00001; gnomAD exomes 0.00001.

Submissions (2):

PreventionGenetics, part of Exact Sciences
Classification: Likely benign for TMEM67-related condition. Last evaluated: 2025-06-04. Review status: criteria provided, single submitter. Criteria: ACMG Guidelines, 2015. Collection method: clinical testing. Allele origin: germline.
Comment: This variant is classified as likely benign based on ACMG/AMP sequence variant interpretation guidelines (Richards et al. 2015 PMID: 25741868, with internal and published modifications).

Labcorp Genetics (formerly Invitae), Labcorp
Classification: Likely benign for Joubert syndrome; Meckel-Gruber syndrome. Last evaluated: 2025-03-17. Review status: criteria provided, single submitter. Criteria: Invitae Variant Classification Sherloc (09022015). Collection method: clinical testing. Allele origin: germline.

NM_153704.6(TMEM67):c.1203T>C (p.Tyr401=)

Gene: TMEM67 (transmembrane protein 67; plus strand). Cytogenetic location: 8q22.1.
Variant type: single nucleotide variant.
Coding change: c.1203T>C on transcript NM_153704.6 (MANE Select); coding-DNA position 1203, T replaced by C.
Protein change: p.Tyr401=; no amino-acid change (tyrosine 401 retained).
Molecular consequence: synonymous variant. On other transcripts: non-coding transcript variant (1).
Genome position (GRCh38, 1-based): chr8:93,785,293, T>C. VCF-style: chr8-93785293-T-C. GRCh37 (hg19) VCF-style: chr8-94797521-T-C.
Other names: c.1203T>C (NM_153704.5); c.960T>C, p.Tyr320= (NM_001142301.1).
Identifiers: ClinVar variation 1140259 (VCV001140259.13), dbSNP rs1814042818, ClinGen allele CA461857971.